The following is an entry in ClinVar:

NM_000179.3(MSH6):c.2171C>G (p.Ala724Gly)

Gene: MSH6 (mutS homolog 6; plus strand). Cytogenetic location: 2p16.3.
Variant type: single nucleotide variant.
Coding change: c.2171C>G on transcript NM_000179.3 (MANE Select); coding-DNA position 2171, C replaced by G.
Protein change: p.Ala724Gly; replaces alanine 724 with glycine.
Molecular consequence: missense variant.
Genome position (GRCh38, 1-based): chr2:47,800,154, C>G. VCF-style: chr2-47800154-C-G. GRCh37 (hg19) VCF-style: chr2-48027293-C-G.
Other names: p.A724G:GCT>GGT; c.1781C>G, p.Ala594Gly (NM_001281492.2); c.1265C>G, p.Ala422Gly (NM_001281493.2, NM_001281494.2); short protein forms A724G, A422G, A594G.
Identifiers: ClinVar variation 127568 (VCV000127568.23), dbSNP rs587779922, ClinGen allele CA009795.

ClinVar aggregate classification (germline): Conflicting classifications of pathogenicity. Review status: criteria provided, conflicting classifications (1 of 4 stars). 5 submissions from 5 submitters: Uncertain significance (4); Likely benign (1). Last evaluated 2025-07-04.

Conditions:
Hereditary nonpolyposis colorectal neoplasms. Identifiers: MedGen C0009405, MeSH D003123.
Hereditary cancer-predisposing syndrome. Also called: Hereditary Cancer Syndrome; Hereditary neoplastic syndrome; Tumor predisposition; Neoplastic Syndromes, Hereditary. Identifiers: Orphanet 140162, MedGen C0027672, MeSH D009386, MONDO:0015356.
Lynch syndrome. Identifiers: Orphanet 144, MedGen C4552100, MONDO:0005835. Disease mechanism: loss of function.

gnomAD v4.1: 2 of 1,614,166 alleles (0.00012%); highest among the groups gnomAD compares: Non-Finnish European, 0.000085%; no homozygotes.

Submissions (5):

Color Diagnostics, LLC DBA Color Health
Classification: Uncertain significance for Hereditary cancer-predisposing syndrome. Last evaluated: 2025-07-04. Review status: criteria provided, single submitter. Criteria: ACMG Guidelines, 2015. Collection method: clinical testing. Allele origin: germline.
Comment: This missense variant replaces alanine with glycine at codon 724 of the MSH6 protein. Computational prediction suggests that this variant may not impact protein structure and function. To our knowledge, functional studies have not been reported for this variant. This variant has not been reported in individuals affected with MSH6-related disorders in the literature. This variant has been identified in 1/250930 chromosomes in the general population by the Genome Aggregation Database (gnomAD). The available evidence is insufficient to determine the role of this variant in disease conclusively. Therefore, this variant is classified as a Variant of Uncertain Significance.

Labcorp Genetics (formerly Invitae), Labcorp
Classification: Uncertain significance for Hereditary nonpolyposis colorectal neoplasms. Last evaluated: 2025-05-28. Review status: criteria provided, single submitter. Criteria: Invitae Variant Classification Sherloc (09022015). Collection method: clinical testing. Allele origin: germline.
Comment: This sequence change replaces alanine, which is neutral and non-polar, with glycine, which is neutral and non-polar, at codon 724 of the MSH6 protein (p.Ala724Gly). This variant is present in population databases (rs587779922, gnomAD 0.0009%). This variant has not been reported in the literature in individuals affected with MSH6-related conditions. ClinVar contains an entry for this variant (Variation ID: 127568). Invitae Evidence Modeling of protein sequence and biophysical properties (such as structural, functional, and spatial information, amino acid conservation, physicochemical variation, residue mobility, and thermodynamic stability) indicates that this missense variant is not expected to disrupt MSH6 protein function with a negative predictive value of 95%. In summary, the available evidence is currently insufficient to determine the role of this variant in disease. Therefore, it has been classified as a Variant of Uncertain Significance.

All of Us Research Program, National Institutes of Health
Classification: Uncertain significance for Lynch syndrome. Last evaluated: 2023-03-23. Review status: criteria provided, single submitter. Criteria: ACMG Guidelines, 2015. Collection method: clinical testing. Allele origin: germline. Inheritance: Autosomal dominant inheritance. Observed: 1 variant allele, 1 heterozygote.
Comment: This missense variant replaces alanine with glycine at codon 724 of the MSH6 protein. Computational prediction tools and conservation analyses are inconclusive regarding the impact of this variant on the protein function. Computational splicing tools suggest that this variant may not impact RNA splicing. To our knowledge, functional assays have not been performed for this variant nor has this variant been reported in individuals affected with hereditary cancer in the literature. This variant has been identified in 1/250930 chromosomes in the general population by the Genome Aggregation Database (gnomAD). Available evidence is insufficient to determine the role of this variant in disease conclusively. Therefore, this variant is classified as a Variant of Uncertain Significance.

This study involves interpretation of variants in research participants for the purpose of population health screening. Participant phenotype was not available at the time of variant classification. Additional details can be found in publication PMID: 35346344, PMCID: PMC8962531

Ambry Genetics
Classification: Likely benign for Hereditary cancer-predisposing syndrome. Last evaluated: 2018-11-14. Review status: criteria provided, single submitter. Criteria: Ambry Variant Classification Scheme 2023. Collection method: clinical testing. Allele origin: germline.

GeneDx
Classification: Uncertain significance. Last evaluated: 2014-01-30. Review status: criteria provided, single submitter. Criteria: GeneDx Variant Classification (06012015). Collection method: clinical testing. Allele origin: germline. Affected: yes.
Comment: This variant is denoted MSH6 c.2171C>G at the cDNA level, p.Ala724Gly (A724G) at the protein level, and results in the change of an Alanine to a Glycine (GCT>GGT). This variant has not, to our knowledge, been published in the literature as pathogenic or benign. MSH6 Ala724Gly was not observed in approximately 6,500 individuals of European and African American ancestry in the NHLBI Exome Sequencing Project, indicating it is not a common benign variant in these populations. This variant is a conservative substitution of one neutral non-polar amino acid for another, altering a position that is moderately conserved throughout evolution and is located within domain III of the MutS domain (Terui 2013). In silico analyses predict this variant to have a benign effect on protein structure and function. Based on the currently available information, we consider MSH6 Ala724Gly to be a variant of uncertain significance.